The following is an entry in ClinVar:

NM_001042492.3(NF1):c.1667_1670del (p.Asp556fs)

Gene: NF1 (neurofibromin 1; plus strand). Cytogenetic location: 17q11.2.
Variant type: Deletion.
Coding change: c.1667_1670del on transcript NM_001042492.3 (MANE Select); coding-DNA positions 1667 to 1670, 4 bases deleted (ATAG; older notation c.1667_1670delATAG).
Protein change: p.Asp556fs; shifts the reading frame from aspartic acid 556.
Molecular consequence: frameshift variant.
Genome position (GRCh38, 1-based): chr17:31,221,875-31,221,878, ATAG deleted; deleting any 4 consecutive bases within chr17:31,221,872-31,221,878 gives the same sequence; the c. name uses the placement nearest the transcript's 3' end. VCF-style (leftmost placement, unchanged base first): chr17-31221871-TTAGA-T. GRCh37 (hg19) VCF-style: chr17-29548889-TTAGA-T.
Other names: c.1667_1670delATAG (NM_000267.3); c.1667_1670delATAG, p.Asp556Alafs (NM_000267.4, NM_001042492.2); c.1667_1670del, p.Asp556fs (NM_001128147.3); short protein forms D556fs.
Identifiers: ClinVar variation 431595 (VCV000431595.11), dbSNP rs1135402819, ClinGen allele CA645373091.
Genomic context (GRCh38, chr17:31,221,871, plus strand): 5'-GAGTCTTCTCTTTGTCTTTCTCTTTTTTAAAAAATTCAGGCTCTGCTGGTTCTTCATCAG[TTAGA>T]TAGCATTGATTTGTGGAATCCTGATGCTCCTGTAGAAACATTTTGGGAGATTAGGTATAT-3'

ClinVar aggregate classification (germline): Pathogenic. Review status: criteria provided, multiple submitters, no conflicts (2 of 4 stars). 5 submissions from 5 submitters: Pathogenic (4). 1 of the submissions does not count toward it. Last evaluated 2025-04-09.

Conditions:
Hereditary cancer-predisposing syndrome. Also called: Hereditary neoplastic syndrome; Tumor predisposition; Neoplastic Syndromes, Hereditary; Hereditary Cancer Syndrome. Identifiers: Orphanet 140162, MedGen C0027672, MeSH D009386, MONDO:0015356.
Cardiovascular phenotype. Identifiers: MedGen CN230736.
Neurofibromatosis, type 1 (NF1). Also called: Neurofibromatosis, type I; NEUROFIBROMATOSIS, TYPE I, SOMATIC; Peripheral type neurofibromatosis; VON RECKLINGHAUSEN DISEASE. Identifiers: Orphanet 636, MedGen C0027831, MONDO:0018975, OMIM 162200. Disease mechanism: loss of function.

Submissions (5):

GeneDx
Classification: Pathogenic. Last evaluated: 2025-04-09. Review status: criteria provided, single submitter. Criteria: GeneDx Variant Classification Process June 2021. Collection method: clinical testing. Allele origin: germline. Affected: yes.
Comment: Frameshift variant predicted to result in protein truncation or nonsense mediated decay in a gene for which loss of function is a known mechanism of disease; Not observed at significant frequency in large population cohorts (gnomAD); This variant is associated with the following publications: (PMID: 24789688)

Institute of Medical Genetics and Applied Genomics, University Hospital Tübingen
Classification: Pathogenic for Neurofibromatosis, type 1. Last evaluated: 2023-11-15. Review status: criteria provided, single submitter. Criteria: ACMG Guidelines, 2015. Collection method: clinical testing. Allele origin: germline. Inheritance: Autosomal dominant inheritance. Affected: yes.

Ambry Genetics
Classification: Pathogenic for Cardiovascular phenotype; Hereditary cancer-predisposing syndrome. Last evaluated: 2023-06-05. Review status: criteria provided, single submitter. Criteria: Ambry Variant Classification Scheme 2023. Collection method: clinical testing. Allele origin: germline.
Comment: The c.1667_1670delATAG pathogenic mutation, located in coding exon 15 of the NF1 gene, results from a deletion of 4 nucleotides at nucleotide positions 1667 to 1670, causing a translational frameshift with a predicted alternate stop codon (p.D556Afs*11). This variant is considered to be rare based on population cohorts in the Genome Aggregation Database (gnomAD). This alteration is expected to result in loss of function by premature protein truncation or nonsense-mediated mRNA decay. As such, this alteration is interpreted as a disease-causing mutation.

Labcorp Genetics (formerly Invitae), Labcorp
Classification: Pathogenic for Neurofibromatosis, type 1. Last evaluated: 2023-04-07. Review status: criteria provided, single submitter. Criteria: Invitae Variant Classification Sherloc (09022015). Collection method: clinical testing. Allele origin: germline.
Comment: ClinVar contains an entry for this variant (Variation ID: 431595). For these reasons, this variant has been classified as Pathogenic. This sequence change creates a premature translational stop signal (p.Asp556Alafs*11) in the NF1 gene. It is expected to result in an absent or disrupted protein product. Loss-of-function variants in NF1 are known to be pathogenic (PMID: 10712197, 23913538). This variant is not present in population databases (gnomAD no frequency). This premature translational stop signal has been observed in individual(s) with neurofibromatosis type 1 (PMID: 24789688).

Medical Genetics, University of Parma
Classification: Pathogenic for Neurofibromatosis type 1. Last evaluated: 2017-02-02. Review status: no assertion criteria provided. Collection method: clinical testing. Allele origin: germline. Affected: yes. Not counted in ClinVar's aggregate classification.

Literature cited by the submitters: PubMed 10712197 (cited by Labcorp Genetics (formerly Invitae), Labcorp); PubMed 23913538 (cited by Labcorp Genetics (formerly Invitae), Labcorp); PubMed 24789688 (cited by Labcorp Genetics (formerly Invitae), Labcorp).